The following is an entry in ClinVar:

ClinVar aggregate classification (germline): Uncertain significance (1 of 4 stars; one submission).

gnomAD v4.1: 3 of 1,614,186 alleles (0.00019%); highest among the groups gnomAD compares: Non-Finnish European, 0.00025%; no homozygotes.

Submission:

Labcorp Genetics (formerly Invitae), Labcorp
Classification: Uncertain significance. Last evaluated: 2024-02-07. Review status: criteria provided, single submitter. Criteria: Invitae Variant Classification Sherloc (09022015). Collection method: clinical testing. Allele origin: germline.
Comment: This sequence change replaces valine, which is neutral and non-polar, with alanine, which is neutral and non-polar, at codon 453 of the ADCY10 protein (p.Val453Ala). This variant is present in population databases (no rsID available, gnomAD 0.01%). This variant has not been reported in the literature in individuals affected with ADCY10-related conditions. An algorithm developed to predict the effect of missense changes on protein structure and function (PolyPhen-2) suggests that this variant is likely to be disruptive. In summary, the available evidence is currently insufficient to determine the role of this variant in disease. Therefore, it has been classified as a Variant of Uncertain Significance.

NM_018417.6(ADCY10):c.1358T>C (p.Val453Ala)

Genes: ADCY10 (adenylate cyclase 10; minus strand), DCAF6 (DDB1 and CUL4 associated factor 6; plus strand). Cytogenetic location: 1q24.2.
Variant type: single nucleotide variant.
Coding change: c.1358T>C on transcript NM_018417.6 (MANE Select); coding-DNA position 1358, T replaced by C.
Protein change: p.Val453Ala; replaces valine 453 with alanine.
Molecular consequence: missense variant.
Genome position (GRCh38, 1-based): chr1:167,878,494, A>G on the plus strand (T>C on the coding strand, the complement: ADCY10 is on the minus strand). VCF-style: chr1-167878494-A-G. GRCh37 (hg19) VCF-style: chr1-167847732-A-G.
Other names: c.899T>C, p.Val300Ala (NM_001167749.3); c.1082T>C, p.Val361Ala (NM_001297772.2); short protein forms V300A, V361A, V453A.
Identifiers: ClinVar variation 3614634 (VCV003614634.2).